The following is an entry in ClinVar:

NM_001382.4(DPAGT1):c.728+148CT[2]

Gene: DPAGT1 (dolichyl-phosphate N-acetylglucosaminephosphotransferase 1; minus strand). Cytogenetic location: 11q23.3.
Variant type: Microsatellite.
Coding change: c.728+148CT[2] on transcript NM_001382.4 (MANE Select); two copies in a row of the 2-base unit CT starting at c.728+148; the reference has three copies in a row; one copy, 2 bases deleted.
Molecular consequence: intron variant.
Genome position (GRCh38, 1-based): chr11:119,098,250-119,098,251, AG deleted on the plus strand (CT on the coding strand, the reverse complement: DPAGT1 is on the minus strand); deleting any 2 consecutive bases within chr11:119,098,250-119,098,256 gives the same sequence; the position shown is the placement nearest the transcript's 3' end. VCF-style (leftmost placement, unchanged base first): chr11-119098249-TAG-T. GRCh37 (hg19) VCF-style: chr11-118968959-TAG-T.
Identifiers: ClinVar variation 679334 (VCV000679334.1), dbSNP rs3831390, ClinGen allele CA229602745.

ClinVar aggregate classification (germline): Benign (1 of 4 stars; one submission).

Submission:

GeneDx
Classification: Benign. Last evaluated: 2018-06-16. Review status: criteria provided, single submitter. Criteria: GeneDx Variant Classification (06012015). Collection method: clinical testing. Allele origin: germline. Affected: yes.
Comment: This variant is considered likely benign or benign based on one or more of the following criteria: it is a conservative change, it occurs at a poorly conserved position in the protein, it is predicted to be benign by multiple in silico algorithms, and/or has population frequency not consistent with disease.